The following is an entry in ClinVar:

ClinVar aggregate classification (germline): Uncertain significance. Review status: criteria provided, multiple submitters, no conflicts (2 of 4 stars). 3 submissions from 3 submitters: Uncertain significance (3). Last evaluated 2026-05-29.

Conditions:
Brugada syndrome. Also called: Sudden unexplained nocturnal death syndrome; Sudden unexpected nocturnal death syndrome; Sudden Unexplained Death Syndrome; Sudden Unexplained Nocturnal Death Syndrome (SUNDS). Identifiers: Orphanet 130, MedGen C1142166, MONDO:0015263.
Cardiovascular phenotype. Identifiers: MedGen CN230736.

Allele frequency attached by ClinVar (database versions not stated): gnomAD exomes 0.00001; ExAC 0.00001.
gnomAD v4.1: 34 of 1,614,172 alleles (0.0021%); highest among the groups gnomAD compares: Admixed American, 0.0033%; no homozygotes.

Submissions (3):

Women's Health and Genetics/Laboratory Corporation of America, LabCorp
Classification: Uncertain significance. Last evaluated: 2026-05-29. Review status: criteria provided, single submitter. Criteria: LabCorp Variant Classification Summary - May 2015. Collection method: clinical testing. Allele origin: germline.
Comment: Variant summary: SCN10A c.3580A>T (p.Thr1194Ser) results in a conservative amino acid change in the encoded protein sequence. Algorithms developed to predict the effect of missense changes on protein structure and function are either unavailable or do not agree on the potential impact of this missense change. The variant allele was found at a frequency of 1.2e-05 in 251434 control chromosomes. The available data on variant occurrences in the general population are insufficient to allow any conclusion about variant significance. To our knowledge, no occurrence of c.3580A>T in individuals affected with SCN10A-related conditions and no experimental evidence demonstrating its impact on protein function have been reported. ClinVar contains an entry for this variant (Variation ID: 1062152). Based on the evidence outlined above, the variant was classified as uncertain significance.

Ambry Genetics
Classification: Uncertain significance for Cardiovascular phenotype. Last evaluated: 2025-10-14. Review status: criteria provided, single submitter. Criteria: Ambry Variant Classification Scheme 2023. Collection method: clinical testing. Allele origin: germline.
Comment: The p.T1194S variant (also known as c.3580A>T), located in coding exon 20 of the SCN10A gene, results from an A to T substitution at nucleotide position 3580. The threonine at codon 1194 is replaced by serine, an amino acid with similar properties. This amino acid position is conserved. In addition, the in silico prediction for this alteration is inconclusive. Since supporting evidence is limited at this time, the clinical significance of this alteration remains unclear.

Labcorp Genetics (formerly Invitae), Labcorp
Classification: Uncertain significance for Brugada syndrome. Last evaluated: 2025-03-11. Review status: criteria provided, single submitter. Criteria: Invitae Variant Classification Sherloc (09022015). Collection method: clinical testing. Allele origin: germline.
Comment: This sequence change replaces threonine, which is neutral and polar, with serine, which is neutral and polar, at codon 1194 of the SCN10A protein (p.Thr1194Ser). This variant is present in population databases (rs780945258, gnomAD 0.006%). This variant has not been reported in the literature in individuals affected with SCN10A-related conditions. ClinVar contains an entry for this variant (Variation ID: 1062152). Invitae Evidence Modeling of protein sequence and biophysical properties (such as structural, functional, and spatial information, amino acid conservation, physicochemical variation, residue mobility, and thermodynamic stability) indicates that this missense variant is not expected to disrupt SCN10A protein function with a negative predictive value of 80%. In summary, the available evidence is currently insufficient to determine the role of this variant in disease. Therefore, it has been classified as a Variant of Uncertain Significance.

NM_006514.4(SCN10A):c.3580A>T (p.Thr1194Ser)

Gene: SCN10A (sodium voltage-gated channel alpha subunit 10; minus strand). Cytogenetic location: 3p22.2.
Variant type: single nucleotide variant.
Coding change: c.3580A>T on transcript NM_006514.4 (MANE Select); coding-DNA position 3580, A replaced by T.
Protein change: p.Thr1194Ser; replaces threonine 1194 with serine.
Molecular consequence: missense variant.
Genome position (GRCh38, 1-based): chr3:38,718,754, T>A on the plus strand (A>T on the coding strand, the complement: SCN10A is on the minus strand). VCF-style: chr3-38718754-T-A. GRCh37 (hg19) VCF-style: chr3-38760245-T-A.
Other names: c.3577A>T, p.Thr1193Ser (NM_001293306.2); c.3286A>T, p.Thr1096Ser (NM_001293307.2); short protein forms T1096S, T1193S, T1194S.
Identifiers: ClinVar variation 1062152 (VCV001062152.10), dbSNP rs780945258, ClinGen allele CA2320187.